The following is an entry in ClinVar:

ClinVar aggregate classification (germline): Pathogenic. Review status: criteria provided, single submitter (1 of 4 stars). 2 submissions from 2 submitters: Pathogenic (1). 1 of the submissions does not count toward it. Last evaluated 2024-10-29.

Conditions:
Intellectual developmental disorder, X-linked 93. Also called: MENTAL RETARDATION, X-LINKED, WITH MACROCEPHALY; Intellectual disability, X-linked 93. Identifiers: MedGen C1970841, MONDO:0010393, OMIM 300659.

Submissions (2):

Victorian Clinical Genetics Services, Murdoch Childrens Research Institute
Classification: Pathogenic for Intellectual developmental disorder, X-linked 93. Last evaluated: 2024-10-29. Review status: criteria provided, single submitter. Criteria: ACMG Guidelines, 2015. Collection method: clinical testing. Allele origin: germline.
Comment: This variant is classified as Pathogenic. Evidence in support of pathogenic classification: Variant is predicted to cause nonsense-mediated decay (NMD) and loss of protein (premature termination codon is located at least 54 nucleotides upstream of the final exon-exon junction); Variant is absent from gnomAD (v2, v3 and v4); This variant has limited previous evidence of pathogenicity in unrelated individuals. This variant has been reported in the literature in two hemizygous individuals with BRWD3-related features (PMIDs: 30628072, 31714006). - Other NMD-predicted variants comparable to the one identified in this case have very strong previous evidence for pathogenicity. Many NMD-predicted variants have been classified as pathogenic or likely pathogenic by clinical laboratories (ClinVar); Additional information: This variant is heterozygous; This gene is associated with X-linked disease. Affected heterozygous females have been reported (PMIDs: 17668385, 36514184, 36414205); Loss of function is a known mechanism of disease in this gene and is associated with intellectual developmental disorder, X-linked 93 (MIM#300659).

OMIM
Classification: Pathogenic for INTELLECTUAL DEVELOPMENTAL DISORDER, X-LINKED 93. Last evaluated: 2022-03-29. Review status: no assertion criteria provided. Collection method: literature only. Allele origin: germline. Not counted in ClinVar's aggregate classification.

Literature cited by the submitters: PubMed 36514184 (cited by Victorian Clinical Genetics Services, Murdoch Childrens Research Institute); PubMed 17668385 (cited by Victorian Clinical Genetics Services, Murdoch Childrens Research Institute); PubMed 31714006 (cited by Victorian Clinical Genetics Services, Murdoch Childrens Research Institute); PubMed 30628072 (cited by Victorian Clinical Genetics Services, Murdoch Childrens Research Institute and OMIM); PubMed 36414205 (cited by Victorian Clinical Genetics Services, Murdoch Childrens Research Institute).

NM_153252.5(BRWD3):c.3976C>T (p.Arg1326Ter)

Gene: BRWD3 (bromodomain and WD repeat domain containing 3; minus strand). Cytogenetic location: Xq21.1.
Variant type: single nucleotide variant.
Coding change: c.3976C>T on transcript NM_153252.5 (MANE Select); coding-DNA position 3976, C replaced by T.
Protein change: p.Arg1326Ter; replaces arginine 1326 with a stop codon.
Molecular consequence: nonsense.
Genome position (GRCh38, 1-based): chrX:80,686,892, G>A on the plus strand (C>T on the coding strand, the complement: BRWD3 is on the minus strand). VCF-style: chrX-80686892-G-A. GRCh37 (hg19) VCF-style: chrX-79942391-G-A.
Other names: short protein forms R1326*.
Identifiers: ClinVar variation 1526410 (VCV001526410.3), dbSNP rs866592729, ClinGen allele CA331094712.